The following is an entry in ClinVar:

NM_006073.4(TRDN):c.1096G>A (p.Ala366Thr)

Gene: TRDN (triadin; minus strand). Cytogenetic location: 6q22.31.
Variant type: single nucleotide variant.
Coding change: c.1096G>A on transcript NM_006073.4 (MANE Select); coding-DNA position 1096, G replaced by A.
Protein change: p.Ala366Thr; replaces alanine 366 with threonine.
Molecular consequence: missense variant.
Genome position (GRCh38, 1-based): chr6:123,393,633, C>T on the plus strand (G>A on the coding strand, the complement: TRDN is on the minus strand). VCF-style: chr6-123393633-C-T. GRCh37 (hg19) VCF-style: chr6-123714778-C-T.
Other names: c.1099G>A, p.Ala367Thr (NM_001251987.2); short protein forms A366T, A367T.
Identifiers: ClinVar variation 227104 (VCV000227104.32), dbSNP rs35047281, ClinGen allele CA3984133.
Genomic context (GRCh38, chr6:123,393,633, plus strand): 5'-CTATAGATGTTTAAAAAAAGGCAATGCTTTTTAAAGTGTTTTATTGCTTACCTTGTGCTG[C>T]AATTTTTACAGTCCCTTGTTTGGTTTCAGAAGCTTTTCCCGGCTCTTGGAATGAAAAAAA-3'
Protein context (NP_006064.2, residues 356-376): SETKQGTVKI[Ala366Thr]AQAAAKKDEK

ClinVar aggregate classification (germline): Benign/Likely benign. Review status: criteria provided, multiple submitters, no conflicts (2 of 4 stars). 9 submissions from 9 submitters: Benign (8); Likely benign (1). Last evaluated 2026-02-03.

Conditions:
Cardiovascular phenotype. Identifiers: MedGen CN230736.
Catecholaminergic polymorphic ventricular tachycardia 5 (CARDAR). Also called: Ventricular tachycardia, catecholaminergic polymorphic, 5, with or without muscle weakness; CARDIAC ARRHYTHMIA SYNDROME, WITH OR WITHOUT SKELETAL MUSCLE WEAKNESS. Identifiers: Orphanet 3286, MedGen C3809536, MONDO:0014191, OMIM 615441.
Catecholaminergic polymorphic ventricular tachycardia 1. Also called: VENTRICULAR TACHYCARDIA, STRESS-INDUCED POLYMORPHIC 1; VENTRICULAR TACHYCARDIA, CATECHOLAMINERGIC POLYMORPHIC, 1, WITH OR WITHOUT ATRIAL DYSFUNCTION AND/OR DILATED CARDIOMYOPATHY; RYR2-Related Catecholaminergic Polymorphic Ventricular Tachycardia. Identifiers: Orphanet 3286, MedGen C1631597, MONDO:0011484, OMIM 604772.

Allele frequency attached by ClinVar (database versions not stated): gnomAD exomes 0.00101 and 0.00257; ExAC 0.00511; ESP Exome Variant Server 0.01143; gnomAD 0.01158 and 0.01253; TOPMed 0.01250; 1000 Genomes Project 0.01398; 1000 Genomes Project 30x 0.01468.
gnomAD v4.1: 3,307 of 1,604,516 alleles (0.21%); highest among the groups gnomAD compares: African/African-American, 3.9%; 71 homozygotes.

Submissions (9):

Labcorp Genetics (formerly Invitae), Labcorp
Classification: Benign for Catecholaminergic polymorphic ventricular tachycardia 1. Last evaluated: 2026-02-03. Review status: criteria provided, single submitter. Criteria: Invitae Variant Classification Sherloc (09022015). Collection method: clinical testing. Allele origin: germline.

ARUP Laboratories, Molecular Genetics and Genomics, ARUP Laboratories
Classification: Benign for Catecholaminergic polymorphic ventricular tachycardia 5. Last evaluated: 2025-05-20. Review status: criteria provided, single submitter. Criteria: ARUP Molecular Germline Variant Investigation Process 2024. Collection method: clinical testing. Allele origin: germline.

Molecular Diagnostic Laboratory for Inherited Cardiovascular Disease, Montreal Heart Institute
Classification: Benign. Last evaluated: 2025-04-09. Review status: criteria provided, single submitter. Criteria: ACMG Guidelines, 2015. Collection method: clinical testing. Allele origin: germline. Affected: no.

Women's Health and Genetics/Laboratory Corporation of America, LabCorp
Classification: Likely benign. Last evaluated: 2024-02-25. Review status: criteria provided, single submitter. Criteria: LabCorp Variant Classification Summary - May 2015. Collection method: clinical testing. Allele origin: germline.

Mayo Clinic Laboratories, Mayo Clinic
Classification: Benign. Last evaluated: 2023-01-05. Review status: criteria provided, single submitter. Criteria: ACMG Guidelines, 2015. Collection method: clinical testing. Allele origin: germline. Observed: 12 variant alleles.
Comment: BS1, BS2, BP4

GeneDx
Classification: Benign. Last evaluated: 2016-10-06. Review status: criteria provided, single submitter. Criteria: GeneDx Variant Classification (06012015). Collection method: clinical testing. Allele origin: germline. Affected: yes.
Comment: This variant is considered likely benign or benign based on one or more of the following criteria: it is a conservative change, it occurs at a poorly conserved position in the protein, it is predicted to be benign by multiple in silico algorithms, and/or has population frequency not consistent with disease.

Ambry Genetics
Classification: Benign for Cardiovascular phenotype. Last evaluated: 2015-07-27. Review status: criteria provided, single submitter. Criteria: Ambry Variant Classification Scheme 2023. Collection method: clinical testing. Allele origin: germline.

Laboratory for Molecular Medicine, Mass General Brigham Personalized Medicine
Classification: Benign. Last evaluated: 2014-11-24. Review status: criteria provided, single submitter. Criteria: LMM Criteria. Collection method: clinical testing. Allele origin: germline. Observed: 6 variant alleles.
Comment: Ala366Thr in exon 13 of TRDN: This variant is not expected to have clinical sign ificance because it has been identified in 3.7% (133/3592) of African American c hromosomes from a broad population by the NHLBI Exome Sequencing Project (dbSNP rs35047281).

PreventionGenetics, part of Exact Sciences
Classification: Benign. Review status: criteria provided, single submitter. Criteria: ACMG Guidelines, 2015. Collection method: clinical testing. Allele origin: germline.